The following is an entry in ClinVar:

ClinVar aggregate classification (germline): Uncertain significance. Review status: criteria provided, multiple submitters, no conflicts (2 of 4 stars). 4 submissions from 4 submitters: Uncertain significance (4). Last evaluated 2023-02-01.

Conditions:
Cardiovascular phenotype. Identifiers: MedGen CN230736.
Hypertrophic cardiomyopathy 14. Identifiers: MedGen C2750467, MONDO:0013197, OMIM 613251.
Hypertrophic cardiomyopathy 1 (CMH1). Also called: MYH7-Related Familial Hypertrophic Cardiomyopathy; Familial hypertrophic cardiomyopathy 1. Identifiers: MedGen C3495498, MONDO:0008647, OMIM 192600.
Atrial septal defect 3 (ASD3). Identifiers: Orphanet 1478, MedGen C3279790, MONDO:0013567, OMIM 614089.
Dilated cardiomyopathy 1EE (CMD1EE). Identifiers: Orphanet 154, MedGen C2750466, MONDO:0013198, OMIM 613252.
Sick sinus syndrome 3, susceptibility to (SSS3). Identifiers: Orphanet 166282, MedGen C3279791, MONDO:0013568, OMIM 614090.

Allele frequency attached by ClinVar (database versions not stated): ExAC 0.00001; gnomAD exomes 0.00001; gnomAD 0.00003 and 0.00004; TOPMed 0.00003.
gnomAD v4.1: 12 of 1,614,056 alleles (0.00074%); highest among the groups gnomAD compares: African/African-American, 0.015%; no homozygotes.

Submissions (4):

Labcorp Genetics (formerly Invitae), Labcorp
Classification: Uncertain significance for Hypertrophic cardiomyopathy 14. Last evaluated: 2023-02-01. Review status: criteria provided, single submitter. Criteria: Invitae Variant Classification Sherloc (09022015). Collection method: clinical testing. Allele origin: germline.
Comment: This sequence change replaces methionine, which is neutral and non-polar, with valine, which is neutral and non-polar, at codon 90 of the MYH6 protein (p.Met90Val). This variant is present in population databases (rs778199745, gnomAD 0.01%). This variant has not been reported in the literature in individuals affected with MYH6-related conditions. ClinVar contains an entry for this variant (Variation ID: 1023317). Advanced modeling of protein sequence and biophysical properties (such as structural, functional, and spatial information, amino acid conservation, physicochemical variation, residue mobility, and thermodynamic stability) performed at Invitae indicates that this missense variant is expected to disrupt MYH6 protein function. In summary, the available evidence is currently insufficient to determine the role of this variant in disease. Therefore, it has been classified as a Variant of Uncertain Significance.

Fulgent Genetics
Classification: Uncertain significance for Hypertrophic cardiomyopathy 1; Hypertrophic cardiomyopathy 14; Dilated cardiomyopathy 1EE; Atrial septal defect 3; Sick sinus syndrome 3, susceptibility to. Last evaluated: 2021-09-17. Review status: criteria provided, single submitter. Criteria: ACMG Guidelines, 2015. Collection method: clinical testing. Allele origin: unknown.

AiLife Diagnostics
Classification: Uncertain significance. Last evaluated: 2021-07-20. Review status: criteria provided, single submitter. Criteria: ACMG Guidelines, 2015. Collection method: clinical testing. Allele origin: germline. Affected: yes. Observed: 1 variant allele.

Ambry Genetics
Classification: Uncertain significance for Cardiovascular phenotype. Last evaluated: 2020-12-16. Review status: criteria provided, single submitter. Criteria: Ambry Variant Classification Scheme 2023. Collection method: clinical testing. Allele origin: germline.
Comment: The p.M90V variant (also known as c.268A>G), located in coding exon 2 of the MYH6 gene, results from an A to G substitution at nucleotide position 268. The methionine at codon 90 is replaced by valine, an amino acid with highly similar properties. This amino acid position is highly conserved in available vertebrate species. In addition, this alteration is predicted to be deleterious by in silico analysis. Since supporting evidence is limited at this time, the clinical significance of this alteration remains unclear.

NM_002471.4(MYH6):c.268A>G (p.Met90Val)

Genes: MYH6 (myosin heavy chain 6; minus strand), LOC114827851 (VISTA enhancer hs2155; plus strand). Cytogenetic location: 14q11.2.
Variant type: single nucleotide variant.
Coding change: c.268A>G on transcript NM_002471.4 (MANE Select); coding-DNA position 268, A replaced by G.
Protein change: p.Met90Val; replaces methionine 90 with valine.
Molecular consequence: missense variant.
Genome position (GRCh38, 1-based): chr14:23,405,704, T>C on the plus strand (A>G on the coding strand, the complement: MYH6 is on the minus strand). VCF-style: chr14-23405704-T-C. GRCh37 (hg19) VCF-style: chr14-23874913-T-C.
Other names: short protein forms M90V.
Identifiers: ClinVar variation 1023317 (VCV001023317.12), dbSNP rs778199745, ClinGen allele CA7116217.